The following is an entry in ClinVar:

ClinVar aggregate classification (germline): Pathogenic (1 of 4 stars; one submission).

Conditions:
Fanconi anemia (FA). Also called: Fanconi's anemia. Identifiers: Orphanet 84, MedGen C0015625, MeSH D005199, MONDO:0019391.

Submission:

Labcorp Genetics (formerly Invitae), Labcorp
Classification: Pathogenic for Fanconi anemia. Last evaluated: 2025-02-10. Review status: criteria provided, single submitter. Criteria: Invitae Variant Classification Sherloc (09022015). Collection method: clinical testing. Allele origin: germline.
Comment: This sequence change creates a premature translational stop signal (p.Ala906Valfs*15) in the FANCA gene. It is expected to result in an absent or disrupted protein product. Loss-of-function variants in FANCA are known to be pathogenic (PMID: 19367192). This variant is not present in population databases (gnomAD no frequency). This variant has not been reported in the literature in individuals affected with FANCA-related conditions. ClinVar contains an entry for this variant (Variation ID: 1424902). For these reasons, this variant has been classified as Pathogenic.

Literature cited by the submitters: PubMed 19367192.

NM_000135.4(FANCA):c.2717del (p.Ala906fs)

Gene: FANCA (FA complementation group A; minus strand). Cytogenetic location: 16q24.3.
Variant type: Deletion.
Coding change: c.2717del on transcript NM_000135.4 (MANE Select); coding-DNA position 2717, one base deleted (C; older notation c.2717delC).
Protein change: p.Ala906fs; shifts the reading frame from alanine 906.
Molecular consequence: frameshift variant.
Genome position (GRCh38, 1-based): chr16:89,764,951, G deleted on the plus strand (C on the coding strand, the reverse complement: FANCA is on the minus strand). VCF-style (leftmost placement, unchanged base first): chr16-89764950-AG-A. GRCh37 (hg19) VCF-style: chr16-89831358-AG-A.
Other names: c.2717del, p.Ala906fs (NM_001286167.3); short protein forms A906fs.
Identifiers: ClinVar variation 1424902 (VCV001424902.6), dbSNP rs2143288542, ClinGen allele CA2573152885.